The following is an entry in ClinVar:

ClinVar aggregate classification (germline): Uncertain significance (1 of 4 stars; one submission).

Conditions:
Inborn genetic diseases. Identifiers: MedGen C0950123, MeSH D030342.

Submission:

Ambry Genetics
Classification: Uncertain significance for Inborn genetic diseases. Last evaluated: 2024-03-09. Review status: criteria provided, single submitter. Criteria: Ambry Variant Classification Scheme 2023. Collection method: clinical testing. Allele origin: germline.
Comment: The p.E2193K variant (also known as c.6577G>A) is located in coding exon 45 of the LRRK2 gene. The glutamic acid at codon 2193 is replaced by lysine, an amino acid with similar properties. This change occurs in the first base pair of coding exon 45. This amino acid position is conserved. In addition, this alteration is predicted to be tolerated by in silico analysis. Based on the available evidence, the clinical significance of this alteration remains unclear.

NM_198578.4(LRRK2):c.6577G>A (p.Glu2193Lys)

Gene: LRRK2 (leucine rich repeat kinase 2; plus strand). Cytogenetic location: 12q12.
Variant type: single nucleotide variant.
Coding change: c.6577G>A on transcript NM_198578.4 (MANE Select); coding-DNA position 6577, G replaced by A.
Protein change: p.Glu2193Lys; replaces glutamic acid 2193 with lysine.
Molecular consequence: missense variant.
Genome position (GRCh38, 1-based): chr12:40,354,299, G>A. VCF-style: chr12-40354299-G-A. GRCh37 (hg19) VCF-style: chr12-40748101-G-A.
Other names: short protein forms E2193K.
Identifiers: ClinVar variation 3229740 (VCV003229740.1), dbSNP rs2499993114, ClinGen allele CA384408712.